The following is an entry in ClinVar:

NM_014141.6(CNTNAP2):c.3947C>G (p.Pro1316Arg)

Gene: CNTNAP2 (contactin associated protein 2; plus strand). Cytogenetic location: 7q36.1.
Variant type: single nucleotide variant.
Coding change: c.3947C>G on transcript NM_014141.6 (MANE Select); coding-DNA position 3947, C replaced by G.
Protein change: p.Pro1316Arg; replaces proline 1316 with arginine.
Molecular consequence: missense variant.
Genome position (GRCh38, 1-based): chr7:148,415,567, C>G. VCF-style: chr7-148415567-C-G. GRCh37 (hg19) VCF-style: chr7-148112659-C-G.
Other names: short protein forms P1316R.
Identifiers: ClinVar variation 1395104 (VCV001395104.6), dbSNP rs2116730335, ClinGen allele CA369706955.

ClinVar aggregate classification (germline): Uncertain significance (1 of 4 stars; one submission).

Conditions:
Cortical dysplasia-focal epilepsy syndrome (PTHSL1). Also called: Pitt-Hopkins-like syndrome 1. Identifiers: Orphanet 163681, Orphanet 221150, MedGen C2750246, MONDO:0012400, OMIM 610042.

Submission:

Labcorp Genetics (formerly Invitae), Labcorp
Classification: Uncertain significance for Cortical dysplasia-focal epilepsy syndrome. Last evaluated: 2022-01-14. Review status: criteria provided, single submitter. Criteria: Invitae Variant Classification Sherloc (09022015). Collection method: clinical testing. Allele origin: germline.
Comment: In summary, the available evidence is currently insufficient to determine the role of this variant in disease. Therefore, it has been classified as a Variant of Uncertain Significance. Algorithms developed to predict the effect of missense changes on protein structure and function (SIFT, PolyPhen-2, Align-GVGD) all suggest that this variant is likely to be tolerated. This variant has not been reported in the literature in individuals affected with CNTNAP2-related conditions. This variant is not present in population databases (gnomAD no frequency). This sequence change replaces proline, which is neutral and non-polar, with arginine, which is basic and polar, at codon 1316 of the CNTNAP2 protein (p.Pro1316Arg).